The following is an entry in ClinVar:

NM_017999.5(RNF31):c.2398G>T (p.Ala800Ser)

Gene: RNF31 (ring finger protein 31; plus strand). Cytogenetic location: 14q12.
Variant type: single nucleotide variant.
Coding change: c.2398G>T on transcript NM_017999.5 (MANE Select); coding-DNA position 2398, G replaced by T.
Protein change: p.Ala800Ser; replaces alanine 800 with serine.
Molecular consequence: missense variant.
Genome position (GRCh38, 1-based): chr14:24,155,507, G>T. VCF-style: chr14-24155507-G-T. GRCh37 (hg19) VCF-style: chr14-24624716-G-T.
Other names: c.1945G>T, p.Ala649Ser (NM_001310332.2); short protein forms A649S, A800S.
Identifiers: ClinVar variation 1493657 (VCV001493657.8), dbSNP rs2038329035, ClinGen allele CA389302878.
Genomic context (GRCh38, chr14:24,155,507, plus strand): 5'-TTGTTCCATAAGAAGCTGACCGAGGGTGTGCTGATGCGGGACCCCAAGTTCTTGTGGTGT[G>T]CCCAGGTAAGTGGCCTGCCCAGGGCAGCTACTGTGGAGGGGCAGGGGATGGTTCCAGGTC-3'
Protein context (NP_060469.4, residues 790-810): LMRDPKFLWC[Ala800Ser]QCSFGFIYER

ClinVar aggregate classification (germline): Uncertain significance (1 of 4 stars; one submission).

Allele frequency attached by ClinVar (database versions not stated): gnomAD exomes below 0.00001.
gnomAD v4.1: 1 of 1,614,196 alleles (0.000062%); highest among the groups gnomAD compares: Non-Finnish European, 0.000085%; no homozygotes.

Submission:

Labcorp Genetics (formerly Invitae), Labcorp
Classification: Uncertain significance. Last evaluated: 2024-02-24. Review status: criteria provided, single submitter. Criteria: Invitae Variant Classification Sherloc (09022015). Collection method: clinical testing. Allele origin: germline.
Comment: This sequence change replaces alanine, which is neutral and non-polar, with serine, which is neutral and polar, at codon 800 of the RNF31 protein (p.Ala800Ser). This variant is not present in population databases (gnomAD no frequency). This variant has not been reported in the literature in individuals affected with RNF31-related conditions. ClinVar contains an entry for this variant (Variation ID: 1493657). An algorithm developed to predict the effect of missense changes on protein structure and function (PolyPhen-2) suggests that this variant is likely to be tolerated. In summary, the available evidence is currently insufficient to determine the role of this variant in disease. Therefore, it has been classified as a Variant of Uncertain Significance.